The following is an entry in ClinVar:

ClinVar aggregate classification (germline): Uncertain significance. Review status: criteria provided, multiple submitters, no conflicts (2 of 4 stars). 2 submissions from 2 submitters: Uncertain significance (2). Last evaluated 2025-03-07.

Conditions:
Inborn genetic diseases. Identifiers: MedGen C0950123, MeSH D030342.

Submissions (2):

Ambry Genetics
Classification: Uncertain significance for Inborn genetic diseases. Last evaluated: 2025-03-07. Review status: criteria provided, single submitter. Criteria: Ambry Variant Classification Scheme 2023. Collection method: clinical testing. Allele origin: germline.
Comment: The p.K144Q variant (also known as c.430A>C), located in coding exon 5 of the FANCA gene, results from an A to C substitution at nucleotide position 430. The lysine at codon 144 is replaced by glutamine, an amino acid with similar properties. This amino acid position is conserved. In addition, this alteration is predicted to be tolerated by in silico analysis. Based on the available evidence, the clinical significance of this variant remains unclear.

Quest Diagnostics Nichols Institute San Juan Capistrano
Classification: Uncertain significance. Last evaluated: 2024-10-09. Review status: criteria provided, single submitter. Criteria: Quest Diagnostics criteria. Collection method: clinical testing. Allele origin: unknown.
Comment: The FANCA c.430A>C (p.Lys144Gln) variant has not been reported in individuals with FANCA-related conditions in the published literature. It also has not been reported in large, multi-ethnic general populations (Genome Aggregation Database). Analysis of this variant using bioinformatics tools for the prediction of the effect of amino acid changes on protein structure and function yielded conflicting predictions that this variant is benign or damaging. Based on the available information, we are unable to determine the clinical significance of this variant.

NM_000135.4(FANCA):c.430A>C (p.Lys144Gln)

Gene: FANCA (FA complementation group A; minus strand). Cytogenetic location: 16q24.3.
Variant type: single nucleotide variant.
Coding change: c.430A>C on transcript NM_000135.4 (MANE Select); coding-DNA position 430, A replaced by C.
Protein change: p.Lys144Gln; replaces lysine 144 with glutamine.
Molecular consequence: missense variant. On other transcripts: intron variant (1).
Genome position (GRCh38, 1-based): chr16:89,810,799, T>G on the plus strand (A>C on the coding strand, the complement: FANCA is on the minus strand). VCF-style: chr16-89810799-T-G. GRCh37 (hg19) VCF-style: chr16-89877207-T-G.
Other names: c.430A>C, p.Lys144Gln (NM_001018112.3, NM_001286167.3); c.426+130A>C (NM_001351830.2); short protein forms K144Q.
Identifiers: ClinVar variation 3572405 (VCV003572405.2).
Genomic context (GRCh38, chr16:89,810,799, plus strand): 5'-GACGGGAGAACATACTGTGTGCCAATAAATACTGAGCAAACTCTAACAGGGAAGACAGCT[T>G]CTTCTGAAAAGAGAGATTACATTTTTTAAAAAACAAATTACCTGAAACAATACTAAAGCT-3'
Protein context (NP_000126.2, residues 134-154): PVLLTVEQRK[Lys144Gln]LSSLLEFAQY